The following is an entry in ClinVar:

ClinVar aggregate classification (germline): Likely benign. Review status: criteria provided, multiple submitters, no conflicts (2 of 4 stars). 3 submissions from 3 submitters: Likely benign (2). 1 of the submissions does not count toward it. Last evaluated 2024-12-15.

Conditions:
TSEN54-related disorder. Also called: TSEN54-related condition.

Allele frequency attached by ClinVar (database versions not stated): gnomAD 0.00007 and 0.00012; ESP Exome Variant Server 0.00008; gnomAD exomes 0.00018; ExAC 0.00048.
gnomAD v4.1: 147 of 1,557,324 alleles (0.0094%); highest among the groups gnomAD compares: South Asian, 0.14%; no homozygotes.

Submissions (3):

Labcorp Genetics (formerly Invitae), Labcorp
Classification: Likely benign. Last evaluated: 2024-12-15. Review status: criteria provided, single submitter. Criteria: Invitae Variant Classification Sherloc (09022015). Collection method: clinical testing. Allele origin: germline.

GeneDx
Classification: Likely benign. Last evaluated: 2020-12-03. Review status: criteria provided, single submitter. Criteria: GeneDx Variant Classification Process June 2021. Collection method: clinical testing. Allele origin: germline. Affected: yes.

PreventionGenetics, part of Exact Sciences
Classification: Likely benign for TSEN54-related condition. Last evaluated: 2019-12-18. Review status: no assertion criteria provided. Collection method: clinical testing. Allele origin: germline. Not counted in ClinVar's aggregate classification.
Comment: This variant is classified as likely benign based on ACMG/AMP sequence variant interpretation guidelines (Richards et al. 2015 PMID: 25741868, with internal and published modifications).

NM_207346.3(TSEN54):c.1071G>A (p.Ala357=)

Gene: TSEN54 (tRNA splicing endonuclease subunit 54; plus strand). Cytogenetic location: 17q25.1.
Variant type: single nucleotide variant.
Coding change: c.1071G>A on transcript NM_207346.3 (MANE Select); coding-DNA position 1071, G replaced by A.
Protein change: p.Ala357=; no amino-acid change (alanine 357 retained).
Molecular consequence: synonymous variant.
Genome position (GRCh38, 1-based): chr17:75,522,152, G>A. VCF-style: chr17-75522152-G-A. GRCh37 (hg19) VCF-style: chr17-73518233-G-A.
Identifiers: ClinVar variation 1188263 (VCV001188263.10), dbSNP rs371212469, ClinGen allele CA8764340.